The following is an entry in ClinVar:

NM_007078.3(LDB3):c.1978+14G>A

Gene: LDB3 (LIM domain binding 3; plus strand). Cytogenetic location: 10q23.2.
Variant type: single nucleotide variant.
Coding change: c.1978+14G>A on transcript NM_007078.3 (MANE Select); 14 bases into the intron after coding-DNA position 1978, G replaced by A.
Molecular consequence: intron variant.
Genome position (GRCh38, 1-based): chr10:86,718,861, G>A. VCF-style: chr10-86718861-G-A. GRCh37 (hg19) VCF-style: chr10-88478618-G-A.
Other names: c.1789+14G>A (NM_001368064.1, NM_001368065.1); c.1993+14G>A (NM_001171610.2); c.1837+14G>A (NM_001368066.1); c.1648+14G>A (NM_001080114.2).
Identifiers: ClinVar variation 4717213 (VCV004717213.1).

ClinVar aggregate classification (germline): Uncertain significance (1 of 4 stars; one submission).

Conditions:
Myofibrillar myopathy 4. Also called: Zaspopathy (type). Identifiers: Orphanet 98912, MedGen C4721886, MONDO:0012277, OMIM 609452.

gnomAD v4.1: 8 of 1,613,890 alleles (0.0005%); highest among the groups gnomAD compares: South Asian, 0.0022%; no homozygotes.

Submission:

Labcorp Genetics (formerly Invitae), Labcorp
Classification: Uncertain significance for Myofibrillar myopathy 4. Last evaluated: 2025-03-05. Review status: criteria provided, single submitter. Criteria: Invitae Variant Classification Sherloc (09022015). Collection method: clinical testing. Allele origin: germline.
Comment: The LDB3 gene has multiple clinically relevant transcripts. This variant occurs in alternate transcript NM_007078.3, and corresponds to M_001080116.1:c.*19487G>A in the primary transcript. This sequence change falls in intron 12 of the LDB3 gene. It does not directly change the encoded amino acid sequence of the LDB3 protein. This variant is present in population databases (rs751841436, gnomAD 0.002%). This variant has not been reported in the literature in individuals affected with LDB3-related conditions. Experimental studies and prediction algorithms are not available or were not evaluated, and the effect of this variant on mRNA splicing is currently unknown. In summary, the available evidence is currently insufficient to determine the role of this variant in disease. Therefore, it has been classified as a Variant of Uncertain Significance.